The following is an entry in ClinVar:

ClinVar aggregate classification (germline): Uncertain significance (1 of 4 stars; one submission).

Conditions:
Inborn genetic diseases. Identifiers: MedGen C0950123, MeSH D030342.

Submission:

Ambry Genetics
Classification: Uncertain significance for Inborn genetic diseases. Last evaluated: 2026-06-15. Review status: criteria provided, single submitter. Criteria: Ambry Variant Classification Scheme 2023. Collection method: clinical testing. Allele origin: germline.
Comment: The p.P793L variant (also known as c.2378C>T), located in coding exon 15 of the CDH2 gene, results from a C to T substitution at nucleotide position 2378. The proline at codon 793 is replaced by leucine, an amino acid with similar properties. This amino acid position is conserved. In addition, this alteration is predicted to be deleterious by in silico analysis. Based on the available evidence, the clinical significance of this variant remains unclear.

NM_001792.5(CDH2):c.2378C>T (p.Pro793Leu)

Genes: CDH2 (cadherin 2; minus strand), CDH2-AS1 (CDH2 antisense RNA 1; plus strand). Cytogenetic location: 18q12.1.
Variant type: single nucleotide variant.
Coding change: c.2378C>T on transcript NM_001792.5 (MANE Select); coding-DNA position 2378, C replaced by T.
Protein change: p.Pro793Leu; replaces proline 793 with leucine.
Molecular consequence: missense variant. On other transcripts: non-coding transcript variant (1).
Genome position (GRCh38, 1-based): chr18:27,963,493, G>A on the plus strand (C>T on the coding strand, the complement: CDH2 is on the minus strand). VCF-style: chr18-27963493-G-A. GRCh37 (hg19) VCF-style: chr18-25543457-G-A.
Other names: c.2285C>T, p.Pro762Leu (NM_001308176.2); short protein forms P793L, P762L.
Identifiers: ClinVar variation 4608997 (VCV004608997.2).